The following is an entry in ClinVar:

ClinVar aggregate classification (germline): Uncertain significance. Review status: criteria provided, multiple submitters, no conflicts (2 of 4 stars). 2 submissions from 2 submitters: Uncertain significance (2). Last evaluated 2022-01-07.

Conditions:
Neuronal ceroid lipofuscinosis. Also called: Neuronal Ceroid Lipofuscinoses. Identifiers: Orphanet 216, Orphanet 79263, MedGen C0027877, MONDO:0016295. Disease mechanism: loss of function.

Allele frequency attached by ClinVar (database versions not stated): gnomAD exomes below 0.00001; gnomAD 0.00001.
gnomAD v4.1: 3 of 1,613,874 alleles (0.00019%); highest among the groups gnomAD compares: South Asian, 0.0011%; no homozygotes.

Submissions (2):

Labcorp Genetics (formerly Invitae), Labcorp
Classification: Uncertain significance for Neuronal ceroid lipofuscinosis. Last evaluated: 2022-01-07. Review status: criteria provided, single submitter. Criteria: Invitae Variant Classification Sherloc (09022015). Collection method: clinical testing. Allele origin: germline.
Comment: This sequence change replaces threonine, which is neutral and polar, with alanine, which is neutral and non-polar, at codon 11 of the DNAJC5 protein (p.Thr11Ala). In summary, the available evidence is currently insufficient to determine the role of this variant in disease. Therefore, it has been classified as a Variant of Uncertain Significance. Algorithms developed to predict the effect of missense changes on protein structure and function (SIFT, PolyPhen-2, Align-GVGD) all suggest that this variant is likely to be tolerated. ClinVar contains an entry for this variant (Variation ID: 205369). This variant has not been reported in the literature in individuals affected with DNAJC5-related conditions. This variant is present in population databases (rs796052408, gnomAD 0.007%).

GeneDx
Classification: Uncertain significance. Last evaluated: 2014-03-12. Review status: criteria provided, single submitter. Criteria: GeneDx Variant Classification (06012015). Collection method: clinical testing. Allele origin: germline. Affected: yes.
Comment: p.Thr11Ala (ACC>GCC): c.31 A>G in exon 2 of the DNAJC5 gene (NM_025219.2) A variant of unknown significance has been identified in the DNAJC5 gene. The T11A variant has not been published as a mutation, nor has it been reported as a benign polymorphism to our knowledge. It was not observed in approximately 6,500 individuals of European and African American ancestry in the NHLBI Exome Sequencing Project, indicating it is not a common benign variant in these populations. The T11A variant is a non-conservative amino acid substitution, which is likely to impact secondary protein structure as these residues differ in polarity, charge, size and/or other properties. This substitution occurs at a position that is conserved across species. However, in silico analysis is inconsistent in its predictions as to whether or not the variant is damaging to the protein structure/function, and no missense mutations have been reported in this region of the protein. Therefore, based on the currently available information, it is unclear whether this variant is a pathogenic mutation or a rare benign variant. The variant is found in INFANT-EPI panel(s).

NM_025219.3(DNAJC5):c.31A>G (p.Thr11Ala)

Gene: DNAJC5 (DnaJ heat shock protein family (Hsp40) member C5; plus strand). Cytogenetic location: 20q13.33.
Variant type: single nucleotide variant.
Coding change: c.31A>G on transcript NM_025219.3 (MANE Select); coding-DNA position 31, A replaced by G.
Protein change: p.Thr11Ala; replaces threonine 11 with alanine.
Molecular consequence: missense variant.
Genome position (GRCh38, 1-based): chr20:63,928,376, A>G. VCF-style: chr20-63928376-A-G. GRCh37 (hg19) VCF-style: chr20-62559729-A-G.
Other names: p.T11A:ACC>GCC; short protein forms T11A.
Identifiers: ClinVar variation 205369 (VCV000205369.10), dbSNP rs796052408, ClinGen allele CA314379.